The following is an entry in ClinVar:

ClinVar aggregate classification (germline): Likely pathogenic (1 of 4 stars; one submission).

Conditions:
Intellectual developmental disorder, autosomal recessive 65. Also called: Intellectual disability, autosomal recessive 65; MENTAL RETARDATION, AUTOSOMAL RECESSIVE 65. Identifiers: MedGen C4748219, MONDO:0020850, OMIM 618109.

gnomAD v4.1: 1 of 1,613,444 alleles (0.000062%); highest among the groups gnomAD compares: Admixed American, 0.0017%; no homozygotes.

Submission:

Clinical Genomics Laboratory, Washington University in St. Louis
Classification: Likely pathogenic for Intellectual developmental disorder, autosomal recessive 65. Last evaluated: 2024-04-26. Review status: criteria provided, single submitter. Criteria: ACMG Guidelines, 2015. Collection method: clinical testing. Allele origin: germline.
Comment: The KDM5B c.4132C>T (p.Gln1378*) variant, to our knowledge, has not been reported in the medical literature. This variant causes a premature stop which is predicted to lead to nonsense mediated decay. This variant is only observed on 1/250,948 alleles in the general population (gnomAD v.2.1.1), indicating it is not a common variant. Another homozygous nonsense variant in the nearby codon (c.4109T>G; p.Leu1370*) was identified in an affected individual (Faundes V et al., PMID: 29276005). Based on available information and the ACMG/AMP guidelines for variant interpretation (Richards S et al., PMID: 25741868), this variant is classified as likely pathogenic.

NM_006618.5(KDM5B):c.4132C>T (p.Gln1378Ter)

Gene: KDM5B (lysine demethylase 5B; minus strand). Cytogenetic location: 1q32.1.
Variant type: single nucleotide variant.
Coding change: c.4132C>T on transcript NM_006618.5 (MANE Select); coding-DNA position 4132, C replaced by T.
Protein change: p.Gln1378Ter; replaces glutamine 1378 with a stop codon.
Molecular consequence: nonsense.
Genome position (GRCh38, 1-based): chr1:202,730,953, G>A on the plus strand (C>T on the coding strand, the complement: KDM5B is on the minus strand). VCF-style: chr1-202730953-G-A. GRCh37 (hg19) VCF-style: chr1-202700081-G-A.
Other names: c.4240C>T, p.Gln1414Ter (NM_001314042.2); c.3997C>T, p.Gln1333Ter (NM_001347591.2); c.4117C>T, p.Gln1373Ter (NM_001399817.1); short protein forms Q1333*, Q1373*, Q1378*, Q1414*.
Identifiers: ClinVar variation 3236595 (VCV003236595.1), dbSNP rs184475699, ClinGen allele CA1334031.